The following is an entry in ClinVar:

NM_032447.5(FBN3):c.1298G>A (p.Cys433Tyr)

Gene: FBN3 (fibrillin 3; minus strand). Cytogenetic location: 19p13.2.
Variant type: single nucleotide variant.
Coding change: c.1298G>A on transcript NM_032447.5 (MANE Select); coding-DNA position 1298, G replaced by A.
Protein change: p.Cys433Tyr; replaces cysteine 433 with tyrosine.
Molecular consequence: missense variant.
Genome position (GRCh38, 1-based): chr19:8,136,435, C>T on the plus strand (G>A on the coding strand, the complement: FBN3 is on the minus strand). VCF-style: chr19-8136435-C-T. GRCh37 (hg19) VCF-style: chr19-8201319-C-T.
Other names: c.1298G>A, p.Cys433Tyr (NM_001321431.2); short protein forms C433Y.
Identifiers: ClinVar variation 4741977 (VCV004741977.1).

ClinVar aggregate classification (germline): Uncertain significance (1 of 4 stars; one submission).

Submission:

Labcorp Genetics (formerly Invitae), Labcorp
Classification: Uncertain significance. Last evaluated: 2025-02-27. Review status: criteria provided, single submitter. Criteria: Invitae Variant Classification Sherloc (09022015). Collection method: clinical testing. Allele origin: germline.
Comment: This sequence change replaces cysteine, which is neutral and slightly polar, with tyrosine, which is neutral and polar, at codon 433 of the FBN3 protein (p.Cys433Tyr). This variant is not present in population databases (gnomAD no frequency). This variant has not been reported in the literature in individuals affected with FBN3-related conditions. Invitae Evidence Modeling of protein sequence and biophysical properties (such as structural, functional, and spatial information, amino acid conservation, physicochemical variation, residue mobility, and thermodynamic stability) indicates that this missense variant is expected to disrupt FBN3 protein function with a positive predictive value of 80%. In summary, the available evidence is currently insufficient to determine the role of this variant in disease. Therefore, it has been classified as a Variant of Uncertain Significance.